The following is an entry in ClinVar:

NM_001018113.3(FANCB):c.1800A>G (p.Gln600=)

Gene: FANCB (FA complementation group B; minus strand). Cytogenetic location: Xp22.2.
Variant type: single nucleotide variant.
Coding change: c.1800A>G on transcript NM_001018113.3 (MANE Select); coding-DNA position 1800, A replaced by G.
Protein change: p.Gln600=; no amino-acid change (glutamine 600 retained).
Molecular consequence: synonymous variant.
Genome position (GRCh38, 1-based): chrX:14,844,983, T>C on the plus strand (A>G on the coding strand, the complement: FANCB is on the minus strand). VCF-style: chrX-14844983-T-C. GRCh37 (hg19) VCF-style: chrX-14863105-T-C.
Other names: c.1800A>G, p.Gln600= (NM_001324162.2, NM_152633.4).
Identifiers: ClinVar variation 1447071 (VCV001447071.8), dbSNP rs2147390430, ClinGen allele CA515637062.
Genomic context (GRCh38, chrX:14,844,983, plus strand): 5'-AACTCTGCCACACACAACATAACGATCTTTAGGACAGTTACCACTTTCTCTCTCCATAAT[T>C]TGTAGCAGTACAGTGCAACAAAATTTACTGAATGTTAAAAGTGGTGAAAGAGATGTTACA-3'
Protein context (NP_001018123.1, residues 590-610): FSKFCCTVLL[Gln600=]IMERESGNCP

ClinVar aggregate classification (germline): Uncertain significance (1 of 4 stars; one submission).

Conditions:
Fanconi anemia (FA). Also called: Fanconi's anemia. Identifiers: Orphanet 84, MedGen C0015625, MeSH D005199, MONDO:0019391.

Allele frequency attached by ClinVar (database versions not stated): gnomAD exomes below 0.00001.
gnomAD v4.1: 1 of 1,207,020 alleles (0.000083%); highest among the groups gnomAD compares: Non-Finnish European, 0.00011%; no homozygotes.

Submission:

Labcorp Genetics (formerly Invitae), Labcorp
Classification: Uncertain significance for Fanconi anemia. Last evaluated: 2021-01-13. Review status: criteria provided, single submitter. Criteria: Invitae Variant Classification Sherloc (09022015). Collection method: clinical testing. Allele origin: germline.
Comment: This variant has not been reported in the literature in individuals with FANCB-related conditions. This variant is not present in population databases (ExAC no frequency). This sequence change affects codon 600 of the FANCB mRNA. It is a 'silent' change, meaning that it does not change the encoded amino acid sequence of the FANCB protein. In summary, the available evidence is currently insufficient to determine the role of this variant in disease. Therefore, it has been classified as a Variant of Uncertain Significance. Algorithms developed to predict the effect of sequence changes on RNA splicing suggest that this variant may create or strengthen a splice site, but this prediction has not been confirmed by published transcriptional studies.